The following is an entry in ClinVar:

ClinVar aggregate classification (germline): Likely benign (1 of 4 stars; one submission).

Submission:

GeneDx
Classification: Likely benign. Last evaluated: 2018-03-09. Review status: criteria provided, single submitter. Criteria: GeneDx Variant Classification (06012015). Collection method: clinical testing. Allele origin: germline. Affected: yes.
Comment: This variant is considered likely benign or benign based on one or more of the following criteria: it is a conservative change, it occurs at a poorly conserved position in the protein, it is predicted to be benign by multiple in silico algorithms, and/or has population frequency not consistent with disease.

NM_018699.4(PRDM5):c.93+16del

Gene: PRDM5 (PR/SET domain 5; minus strand). Cytogenetic location: 4q27.
Variant type: Deletion.
Coding change: c.93+16del on transcript NM_018699.4 (MANE Select); 16 bases into the intron after coding-DNA position 93, one base deleted (G; older notation c.93+16delG).
Molecular consequence: intron variant.
Genome position (GRCh38, 1-based): chr4:120,922,500, C deleted on the plus strand (G on the coding strand, the reverse complement: PRDM5 is on the minus strand); the first of 2 consecutive C bases (chr4:120,922,500-120,922,501); deleting either gives the same sequence. VCF-style (leftmost placement, unchanged base first): chr4-120922499-GC-G. GRCh37 (hg19) VCF-style: chr4-121843654-GC-G.
Other names: c.93+16del (NM_001300824.2, NM_001379106.1, NM_001300823.2 and 1 more transcripts); c.93+16delG (NM_018699.2).
Identifiers: ClinVar variation 515800 (VCV000515800.1), dbSNP rs1554014221, ClinGen allele CA658796462.